The following is an entry in ClinVar:

NM_001304376.3(ADGRG5):c.1357T>C (p.Cys453Arg)

Gene: ADGRG5 (adhesion G protein-coupled receptor G5; plus strand). Cytogenetic location: 16q21.
Variant type: single nucleotide variant.
Coding change: c.1357T>C on transcript NM_001304376.3 (MANE Select); coding-DNA position 1357, T replaced by C.
Protein change: p.Cys453Arg; replaces cysteine 453 with arginine.
Molecular consequence: missense variant. On other transcripts: synonymous variant (1).
Genome position (GRCh38, 1-based): chr16:57,574,963, T>C. VCF-style: chr16-57574963-T-C. GRCh37 (hg19) VCF-style: chr16-57608875-T-C.
Other names: c.1357T>C (NM_153837.1); c.1239T>C, p.Pro413= (NM_001318481.2); c.1357T>C, p.Cys453Arg (NM_153837.4); short protein forms C453R.
Identifiers: ClinVar variation 2646558 (VCV002646558.25), dbSNP rs868663716, ClinGen allele CA281571697.

ClinVar aggregate classification (germline): Uncertain significance. Review status: criteria provided, multiple submitters, no conflicts (2 of 4 stars). 2 submissions from 2 submitters: Uncertain significance (2). Last evaluated 2025-02-19.

Allele frequency attached by ClinVar (database versions not stated): gnomAD exomes below 0.00001; gnomAD 0.00001; TOPMed 0.00001.

Submissions (2):

Ambry Genetics
Classification: Uncertain significance. Last evaluated: 2025-02-19. Review status: criteria provided, single submitter. Criteria: Ambry Variant Classification Scheme 2023. Collection method: clinical testing. Allele origin: germline.

CeGaT Center for Human Genetics Tuebingen
Classification: Uncertain significance. Last evaluated: 2022-04-01. Review status: criteria provided, single submitter. Criteria: CeGaT Center For Human Genetics Tuebingen Variant Classification Criteria Version 2. Collection method: clinical testing. Allele origin: germline. Affected: yes. Observed: 1 variant allele.
Comment: ADGRG5: PM2, BP4